The following is an entry in ClinVar:

NM_000101.4(CYBA):c.173del (p.Lys58fs)

Gene: CYBA (cytochrome b-245 alpha chain; minus strand). Cytogenetic location: 16q24.2.
Variant type: Deletion.
Coding change: c.173del on transcript NM_000101.4 (MANE Select); coding-DNA position 173, one base deleted (A; older notation c.173delA).
Protein change: p.Lys58fs; shifts the reading frame from lysine 58.
Molecular consequence: frameshift variant.
Genome position (GRCh38, 1-based): chr16:88,647,131, T deleted on the plus strand (A on the coding strand, the reverse complement: CYBA is on the minus strand); the first of 2 consecutive T bases (chr16:88,647,131-88,647,132); deleting either gives the same sequence. VCF-style (leftmost placement, unchanged base first): chr16-88647130-CT-C. GRCh37 (hg19) VCF-style: chr16-88713538-CT-C.
Other names: short protein forms K58fs.
Identifiers: ClinVar variation 5011391 (VCV005011391.1).

ClinVar aggregate classification (germline): Pathogenic (1 of 4 stars; one submission).

Conditions:
Granulomatous disease, chronic, autosomal recessive, cytochrome b-negative. Also called: CGD DUE TO DEFICIENCY OF THE ALPHA SUBUNIT OF CYTOCHROME b; CGD, AUTOSOMAL RECESSIVE CYTOCHROME b-NEGATIVE; CYBA DEFICIENCY; GRANULOMATOUS DISEASE, CHRONIC, AUTOSOMAL RECESSIVE, 4; Chronic granulomatous disease, autosomal, due to deficiency of CYBA. Identifiers: Orphanet 379, MedGen C1856255, MONDO:0009308, OMIM 233690.

Submission:

Myriad Genetics, Inc.
Classification: Pathogenic for Granulomatous disease, chronic, autosomal recessive, cytochrome b-negative. Last evaluated: 2024-05-14. Review status: criteria provided, single submitter. Criteria: Myriad Autosomal Dominant, Autosomal Recessive and X-Linked Classification Criteria (2023). Collection method: clinical testing. Allele origin: unknown.
Comment: NM_000101.3(CYBA):c.173delA(K58Rfs*16) is expected to be pathogenic in the context of chronic granulomatous disease, CYBA-related. This variant is predicted to lead to an abnormal or absent protein product due to the creation of a premature termination codon in CYBA, a gene where loss-of-function variants are known to be pathogenic. Please note: this variant was assessed in the context of healthy population screening.